The following is an entry in ClinVar:

ClinVar aggregate classification (germline): Likely pathogenic. Review status: reviewed by expert panel (3 of 4 stars). 22 submissions from 18 submitters: Likely pathogenic (1). 21 of the submissions do not count toward it. Last evaluated 2021-12-09.

Conditions:
MYH7-related disorder. Also called: MYH7-related disorders; MYH7-related condition; MYH7-related disease.
Myosin storage myopathy (CMYO7A). Also called: MYH7-related late-onset scapuloperoneal muscular dystrophy; Congenital myopathy 7A, myosin storage, autosomal dominant; Scapuloperoneal myopathy, MYH7-related; MYOPATHY WITH LYSIS OF TYPE I MYOFIBRILS; SCAPULOPERONEAL MUSCULAR DYSTROPHY; SCAPULOPERONEAL SYNDROME, MYOPATHIC TYPE. Identifiers: Orphanet 437572, Orphanet 636965, MedGen C1842160, MONDO:0008409, OMIM 608358.
MYH7-related skeletal myopathy. Also called: Myopathy, distal, 1; MYOPATHY, DISTAL, EARLY-ONSET, AUTOSOMAL DOMINANT; MYOPATHY, LATE DISTAL HEREDITARY; Laing distal myopathy; Laing early-onset distal myopathy. Identifiers: Orphanet 59135, MedGen C4552004, MONDO:0008050, OMIM 160500.
Dilated cardiomyopathy 1S (CMD1S). Identifiers: Orphanet 154, Orphanet 54260, MedGen C1834481, MONDO:0013262, OMIM 613426.
Myopathy, myosin storage, autosomal recessive (CMYO7B). Also called: CONGENITAL MYOPATHY 7B, MYOSIN STORAGE, AUTOSOMAL RECESSIVE. Identifiers: Orphanet 636970, MedGen C1850709, MONDO:0009708, OMIM 255160.
Hypertrophic cardiomyopathy 1 (CMH1). Also called: Familial hypertrophic cardiomyopathy 1; MYH7-Related Familial Hypertrophic Cardiomyopathy. Identifiers: MedGen C3495498, MONDO:0008647, OMIM 192600.
Congenital myopathy with fiber type disproportion. Also called: Congenital fiber-type disproportion myopathy; Congenital fiber-type disproportion. Identifiers: Orphanet 2020, MedGen C0546264, MONDO:0009711. Inheritance: all.
Cardiovascular phenotype. Identifiers: MedGen CN230736.
Cardiomyopathy (CMYO). Also called: Cardiomyopathies. Identifiers: Orphanet 167848, MedGen C0878544, MONDO:0004994, HP:0001638. Inheritance: Various modes of inheritance.
Primary familial hypertrophic cardiomyopathy (HCM). Identifiers: Orphanet 99739, MedGen C0949658, MeSH D024741, MONDO:0024573. Inheritance: Various modes of inheritance.
Hypertrophic cardiomyopathy. Also called: HYPERTROPHIC MYOCARDIOPATHY. Identifiers: Orphanet 217569, MedGen C0007194, MeSH D002312, MONDO:0005045, HP:0001639.

Allele frequency attached by ClinVar (database versions not stated): ExAC 0.00001; gnomAD exomes 0.00001; gnomAD 0.00001; TOPMed 0.00001; ESP Exome Variant Server 0.00008.
gnomAD v4.1: 21 of 1,612,628 alleles (0.0013%); highest among the groups gnomAD compares: East Asian, 0.0022%; no homozygotes.

Submissions 1 to 7 of 22:

ClinGen Cardiomyopathy Variant Curation Expert Panel
Classification: Likely pathogenic for Hypertrophic cardiomyopathy. Last evaluated: 2021-12-09. Review status: reviewed by expert panel. Criteria: ClinGen CMP ACMG Specifications v1. Collection method: curation. Allele origin: germline. Inheritance: Autosomal dominant inheritance.
Comment: The NM_000257.4(MYH7):c.4258C>T (p.Arg1420Trp) variant has been reported in >15 individuals with HCM, including 1 individual with an additional variant in another gene that may contribute to their disease (PS4_Strong; Van Driest 2004 PMID: 15358028; Millat 2010 PMID: 20624503; Millat 2010 PMID: 20800588; Teirlinck 2012 PMID:23140321; Zou 2013 PMID:23283745; Berge 2014 PMID: 24111713; Ntusi 2016 PMID: 27841901; Homburger 2016 PMID: 27247418; Walsh 2017 PMID:27532257; Ho 2018 PMID: 30297972; Gene Dx pers. comm.; Invitae pers. comm.; LMM pers. comm.; OMGL pers. comm.). This variant has also been identified in 0.0003% (FAF 95% CI; 2/113756) of European chromosomes by gnomAD v2.1.1 (PM2). Computational prediction tools and conservation analysis suggest that this variant may impact the protein (PP3). In summary, this variant meets criteria to be classified as likely pathogenic for hypertrophic cardiomyopathy in an autosomal dominant manner. MYH7-specific ACMG/AMP criteria applied (PMID:29300372): PS4, PM2, PP3.

GeneDx
Classification: Likely pathogenic. Last evaluated: 2026-10-02. Review status: criteria provided, single submitter. Criteria: GeneDx Variant Classification Process June 2021. Collection method: clinical testing. Allele origin: germline. Not counted in ClinVar's aggregate classification.
Comment: Not observed at significant frequency in large population cohorts (gnomAD); In silico analysis supports that this missense variant has a deleterious effect on protein structure/function; This variant is associated with the following publications: (PMID: 23299917, 24055113, 25637381, 18555187, 23403236, 25961035, 23283745, 22958901, 23447461, 15358028, 27247418, 27532257, 24111713, 29169752, 28971120, 21817903, 23140321, 32419263, 35065800, 34601892, AlloubaM2022[Preprint], 33087929, 33190526, 34542152, 27841901, 28640247, 30297972, 35653365, 29300372, 20624503, 37217627, 36264615, 37652022, 20800588, 39825153, 37431535, 24664454, 39866219, 26914223, 41153446, 40696565, 25132132, 30696458, 35544052, Rao2025[Article], 41128141)

Ambry Genetics
Classification: Likely pathogenic for Cardiovascular phenotype. Last evaluated: 2026-02-20. Review status: criteria provided, single submitter. Criteria: Ambry Variant Classification Scheme 2023. Collection method: clinical testing. Allele origin: germline. Not counted in ClinVar's aggregate classification.
Comment: The c.4258C>T (p.R1420W) alteration is located in exon 31 (coding exon 29) of the MYH7 gene. This alteration results from a C to T substitution at nucleotide position 4258, causing the arginine (R) at amino acid position 1420 to be replaced by a tryptophan (W). Based on data from gnomAD, the T allele has an overall frequency of 0.001% (2/251476) total alleles studied. The highest observed frequency was 0.002% (2/113756) of European (non-Finnish) alleles. This variant has been detected in multiple individuals with features consistent with hypertrophic cardiomyopathy (HCM) (Allouba, 2023; Homburger, 2016; Kelly, 2018; Ko, 2018; Millat, 2010; Stava, 2022; Van Driest, 2004; Walsh, 2017; external communication). Another variant at the same codon, p.R1420Q (c.4259G>A), has also been reported in association with HCM (Van Driest, 2004). This amino acid position is highly conserved in available vertebrate species. This alteration is predicted to be deleterious by in silico analysis. Based on the available evidence, this alteration is classified as likely pathogenic.

Labcorp Genetics (formerly Invitae), Labcorp
Classification: Pathogenic for Hypertrophic cardiomyopathy. Last evaluated: 2025-11-22. Review status: criteria provided, single submitter. Criteria: Invitae Variant Classification Sherloc (09022015). Collection method: clinical testing. Allele origin: germline. Not counted in ClinVar's aggregate classification.
Comment: This sequence change replaces arginine, which is basic and polar, with tryptophan, which is neutral and slightly polar, at codon 1420 of the MYH7 protein (p.Arg1420Trp). This variant is present in population databases (rs145213771, gnomAD 0.0009%). This missense change has been observed in individuals with hypertrophic cardiomyopathy (PMID: 15358028, 20800588, 23283745, 24111713, 27247418, 27532257, 27841901, 29300372, 33190526). ClinVar contains an entry for this variant (Variation ID: 43003). Invitae Evidence Modeling of protein sequence and biophysical properties (such as structural, functional, and spatial information, amino acid conservation, physicochemical variation, residue mobility, and thermodynamic stability) indicates that this missense variant is expected to disrupt MYH7 protein function with a positive predictive value of 95%. This variant disrupts the p.Arg1420 amino acid residue in MYH7. Other variant(s) that disrupt this residue have been determined to be pathogenic (PMID: 21817903, 26914223, 27247418; internal data). This suggests that this residue is clinically significant, and that variants that disrupt this residue are likely to be disease-causing. For these reasons, this variant has been classified as Pathogenic.

Variantyx, Inc.
Classification: Likely pathogenic for Hypertrophic cardiomyopathy 1. Last evaluated: 2025-09-24. Review status: criteria provided, single submitter. Criteria: Variantyx Assertion Criteria 2022. Collection method: clinical testing. Allele origin: germline. Inheritance: Autosomal dominant inheritance. Affected: yes. Not counted in ClinVar's aggregate classification.
Comment: This is a nonsynonymous variant in the MYH7 gene (OMIM: 160760). Pathogenic variants in this gene have been associated with autosomal dominant hypertrophic cardiomyopathy 1. This variant has been reported in several unrelated affected individuals (PMID: 29300372, 20624503) (PS4). Multiple computational algorithms predict a deleterious effect for this variant (REVEL score: 0.94) (PP3). It has a 0.0022% maximum allele frequency in non-founder control populations (PM2). Other reputable laboratories have reported this variant as pathogenic or likely pathogenic, and this classification has been validated by an expert panel in ClinVar. Based on the current evidance, this variant is classified as likely pathogenic for autosomal dominant hypertrophic cardiomyopathy 1.

Color Diagnostics, LLC DBA Color Health
Classification: Likely pathogenic for Cardiomyopathy. Last evaluated: 2025-06-03. Review status: criteria provided, single submitter. Criteria: ACMG Guidelines, 2015. Collection method: clinical testing. Allele origin: germline. Not counted in ClinVar's aggregate classification.
Comment: This missense variant replaces arginine with tryptophan at codon 1420 in the LMM domain of the MYH7 protein. Computational prediction suggests that this variant may have a deleterious impact on protein structure and function. To our knowledge, functional studies have not been reported for this variant. This variant has been reported in more than ten individuals affected with hypertrophic cardiomyopathy (PMID: 15358028, 20624503, 23140321, 23283745, 27532257, 30297972, 35653365, 37652022Kassem et al. 2017). A different variant occurring at the same codon, p.Arg1420Gln, is a likely pathogenic mutation (Clinvar variation ID: 43004), indicating that arginine at this position is important for MYH7 protein function. This variant has been identified in 2/251476 chromosomes in the general population by the Genome Aggregation Database (gnomAD). Based on the available evidence, this variant is classified as Likely Pathogenic.

North West Genomic Laboratory Hub, Manchester University NHS Foundation Trust
Classification: Likely pathogenic for Hypertrophic cardiomyopathy 1. Last evaluated: 2024-11-27. Review status: criteria provided, single submitter. Criteria: ACGS Best Practice Guidelines for Variant Classification in Rare Disease 2020. Collection method: clinical testing. Allele origin: germline. Affected: yes. Not counted in ClinVar's aggregate classification.
Comment: PM2_Mod PP3_Supp PS4_Str

NM_000257.4(MYH7):c.4258C>T (p.Arg1420Trp)

Gene: MYH7 (myosin heavy chain 7; minus strand). Cytogenetic location: 14q11.2.
Variant type: single nucleotide variant.
Coding change: c.4258C>T on transcript NM_000257.4 (MANE Select); coding-DNA position 4258, C replaced by T.
Protein change: p.Arg1420Trp; replaces arginine 1420 with tryptophan.
Molecular consequence: missense variant.
Genome position (GRCh38, 1-based): chr14:23,417,598, G>A on the plus strand (C>T on the coding strand, the complement: MYH7 is on the minus strand). VCF-style: chr14-23417598-G-A. GRCh37 (hg19) VCF-style: chr14-23886807-G-A.
Other names: NM_000257.3(MYH7):c.4258C>T; NM_000257.4(MYH7):c.4258C>T; short protein forms R1420W.
Identifiers: ClinVar variation 43003 (VCV000043003.64), dbSNP rs145213771, ClinGen allele CA014718.